The following is an entry in ClinVar:

ClinVar aggregate classification (germline): Likely benign. Review status: criteria provided, multiple submitters, no conflicts (2 of 4 stars). 2 submissions from 2 submitters: Likely benign (2). Last evaluated 2020-12-19.

Conditions:
Early-infantile DEE. Also called: Early infantile epileptic encephalopathy; Ohtahara syndrome; Early infantile epileptic encephalopathy with suppression bursts. Identifiers: Orphanet 1934, MedGen C0393706, MONDO:0800491.

Allele frequency attached by ClinVar (database versions not stated): gnomAD exomes below 0.00001 and 0.00001; gnomAD 0.00001.
gnomAD v4.1: 5 of 1,606,056 alleles (0.00031%); highest among the groups gnomAD compares: Admixed American, 0.0034%; no homozygotes.

Submissions (2):

Labcorp Genetics (formerly Invitae), Labcorp
Classification: Likely benign for Early-infantile DEE. Last evaluated: 2020-12-19. Review status: criteria provided, single submitter. Criteria: Invitae Variant Classification Sherloc (09022015). Collection method: clinical testing. Allele origin: germline.

GeneDx
Classification: Likely benign. Last evaluated: 2016-12-15. Review status: criteria provided, single submitter. Criteria: GeneDx Variant Classification (06012015). Collection method: clinical testing. Allele origin: germline. Affected: yes.
Comment: This variant is considered likely benign or benign based on one or more of the following criteria: it is a conservative change, it occurs at a poorly conserved position in the protein, it is predicted to be benign by multiple in silico algorithms, and/or has population frequency not consistent with disease.

NM_001165963.4(SCN1A):c.3888G>A (p.Leu1296=)

Genes: SCN1A (sodium voltage-gated channel alpha subunit 1; minus strand), LOC102724058 (uncharacterized LOC102724058; plus strand). Cytogenetic location: 2q24.3.
Variant type: single nucleotide variant.
Coding change: c.3888G>A on transcript NM_001165963.4 (MANE Select); coding-DNA position 3888, G replaced by A.
Protein change: p.Leu1296=; no amino-acid change (leucine 1296 retained).
Molecular consequence: synonymous variant. On other transcripts: non-coding transcript variant (1).
Genome position (GRCh38, 1-based): chr2:166,009,833, C>T on the plus strand (G>A on the coding strand, the complement: SCN1A is on the minus strand). VCF-style: chr2-166009833-C-T. GRCh37 (hg19) VCF-style: chr2-166866343-C-T.
Other names: c.3804G>A, p.Leu1268= (NM_001165964.3, NM_001353957.2, NM_001353958.2); c.3888G>A, p.Leu1296= (NM_001202435.3, NM_001353948.2); c.3855G>A, p.Leu1285= (NM_001353949.2, NM_001353950.2, NM_001353951.2 and 2 more transcripts); c.3852G>A, p.Leu1284= (NM_001353954.2, NM_001353955.2); c.3801G>A, p.Leu1267= (NM_001353960.2); c.1446G>A, p.Leu482= (NM_001353961.2).
Identifiers: ClinVar variation 378515 (VCV000378515.10), dbSNP rs998325208, ClinGen allele CA16603933.
Genomic context (GRCh38, chr2:166,009,833, plus strand): 5'-CCTGAGAGATTTGATGGCTCCAAGTTCTGAGTAACCCAAGGCATTTGCTGTTAAACTGAC[C>T]AATGAAACCTGCACACACAAAAATAATAACAATTAATAAACAGAATCATCATTCAATGTG-3'
Protein context (NP_001159435.1, residues 1286-1306): WLDFLIVDVS[Leu1296=]VSLTANALGY